The following is an entry in ClinVar:

ClinVar aggregate classification (germline): Pathogenic (1 of 4 stars; one submission).

Submission:

ARUP Laboratories, Molecular Genetics and Genomics, ARUP Laboratories
Classification: Pathogenic. Last evaluated: 2025-07-10. Review status: criteria provided, single submitter. Criteria: ARUP Molecular Germline Variant Investigation Process 2024. Collection method: clinical testing. Allele origin: germline.
Comment: The NF1 c.7339G>T; p.Glu2447Ter variant, to our knowledge, is not reported in the medical literature or gene specific databases. This variant is also absent from the Genome Aggregation Database (v2.1.1), indicating it is not a common polymorphism. This variant induces an early termination codon and is predicted to result in a truncated protein or mRNA subject to nonsense-mediated decay. Additionally, several upstream and downstream truncating variants have been described in individuals with neurofibromatosis type 1 and are considered disease causing (Ars 2003, Frayling 2019). Based on available information, this variant is considered to be pathogenic. References: Ars E et al. Recurrent mutations in the NF1 gene are common among neurofibromatosis type 1 patients. J Med Genet. 2003 Jun;40(6):e82. PMID: 12807981. Frayling IM et al. Breast cancer risk in neurofibromatosis type 1 is a function of the type of NF1 gene mutation: a new genotype-phenotype correlation. J Med Genet. 2019 Apr;56(4):209-219. PMID: 30530636.

NM_001042492.3(NF1):c.7339G>T (p.Glu2447Ter)

Gene: NF1 (neurofibromin 1; plus strand). Cytogenetic location: 17q11.2.
Variant type: single nucleotide variant.
Coding change: c.7339G>T on transcript NM_001042492.3 (MANE Select); coding-DNA position 7339, G replaced by T.
Protein change: p.Glu2447Ter; replaces glutamic acid 2447 with a stop codon.
Molecular consequence: nonsense.
Genome position (GRCh38, 1-based): chr17:31,350,200, G>T. VCF-style: chr17-31350200-G-T. GRCh37 (hg19) VCF-style: chr17-29677218-G-T.
Other names: c.7276G>T, p.Glu2426Ter (NM_000267.4); short protein forms E2426*, E2447*.
Identifiers: ClinVar variation 4685949 (VCV004685949.1).